The following is an entry in ClinVar:

NM_000548.5(TSC2):c.3618C>G (p.Thr1206=)

Gene: TSC2 (TSC complex subunit 2; plus strand). Cytogenetic location: 16p13.3.
Variant type: single nucleotide variant.
Coding change: c.3618C>G on transcript NM_000548.5 (MANE Select); coding-DNA position 3618, C replaced by G.
Protein change: p.Thr1206=; no amino-acid change (threonine 1206 retained).
Molecular consequence: synonymous variant.
Genome position (GRCh38, 1-based): chr16:2,081,602, C>G. VCF-style: chr16-2081602-C-G. GRCh37 (hg19) VCF-style: chr16-2131603-C-G.
Other names: c.3486C>G, p.Thr1162= (NM_001077183.3, NM_001370404.1); c.3618C>G, p.Thr1206= (NM_001114382.3); c.3378C>G, p.Thr1126= (NM_001318827.2); c.3342C>G, p.Thr1114= (NM_001318829.2); c.2886C>G, p.Thr962= (NM_001318831.2); c.3519C>G, p.Thr1173= (NM_001318832.2); c.3489C>G, p.Thr1163= (NM_001363528.2, NM_001370405.1, NM_021055.3).
Identifiers: ClinVar variation 385558 (VCV000385558.9), dbSNP rs1057522260, ClinGen allele CA16607314.

ClinVar aggregate classification (germline): Benign/Likely benign. Review status: criteria provided, multiple submitters, no conflicts (2 of 4 stars). 3 submissions from 3 submitters: Benign (1); Likely benign (2). Last evaluated 2025-07-31.

Conditions:
Tuberous sclerosis 2 (TSC2). Identifiers: Orphanet 805, MedGen C1860707, MONDO:0013199, OMIM 613254.

Submissions (3):

Labcorp Genetics (formerly Invitae), Labcorp
Classification: Likely benign for Tuberous sclerosis 2. Last evaluated: 2025-07-31. Review status: criteria provided, single submitter. Criteria: Invitae Variant Classification Sherloc (09022015). Collection method: clinical testing. Allele origin: germline.

Myriad Genetics, Inc.
Classification: Benign for Tuberous sclerosis 2. Last evaluated: 2025-05-30. Review status: criteria provided, single submitter. Criteria: Myriad Autosomal Dominant, Autosomal Recessive and X-Linked Classification Criteria (2023). Collection method: clinical testing. Allele origin: unknown.
Comment: This variant is considered benign. This variant is a silent/synonymous amino acid change and it is not expected to impact splicing.

GeneDx
Classification: Likely benign. Last evaluated: 2016-04-26. Review status: criteria provided, single submitter. Criteria: GeneDx Variant Classification (06012015). Collection method: clinical testing. Allele origin: germline. Affected: yes.
Comment: This variant is considered likely benign or benign based on one or more of the following criteria: it is a conservative change, it occurs at a poorly conserved position in the protein, it is predicted to be benign by multiple in silico algorithms, and/or has population frequency not consistent with disease.